The following is an entry in ClinVar:

ClinVar aggregate classification (germline): Uncertain significance (1 of 4 stars; one submission).

Submission:

Labcorp Genetics (formerly Invitae), Labcorp
Classification: Uncertain significance. Last evaluated: 2020-06-23. Review status: criteria provided, single submitter. Criteria: Invitae Variant Classification Sherloc (09022015). Collection method: clinical testing. Allele origin: germline.
Comment: Algorithms developed to predict the effect of missense changes on protein structure and function (SIFT, PolyPhen-2, Align-GVGD) all suggest that this variant is likely to be tolerated, but these predictions have not been confirmed by published functional studies and their clinical significance is uncertain. This sequence change replaces tyrosine with histidine at codon 54 of the EYS protein (p.Tyr54His). The tyrosine residue is moderately conserved and there is a moderate physicochemical difference between tyrosine and histidine. This variant is not present in population databases (ExAC no frequency). This variant has not been reported in the literature in individuals with EYS-related conditions. In summary, the available evidence is currently insufficient to determine the role of this variant in disease. Therefore, it has been classified as a Variant of Uncertain Significance.

NM_001142800.2(EYS):c.160T>C (p.Tyr54His)

Gene: EYS (EGF-like photoreceptor maintenance factor; minus strand). Cytogenetic location: 6q12.
Variant type: single nucleotide variant.
Coding change: c.160T>C on transcript NM_001142800.2 (MANE Select); coding-DNA position 160, T replaced by C.
Protein change: p.Tyr54His; replaces tyrosine 54 with histidine.
Molecular consequence: missense variant.
Genome position (GRCh38, 1-based): chr6:65,495,251, A>G on the plus strand (T>C on the coding strand, the complement: EYS is on the minus strand). VCF-style: chr6-65495251-A-G. GRCh37 (hg19) VCF-style: chr6-66205144-A-G.
Other names: c.160T>C, p.Tyr54His (NM_001142801.2, NM_001292009.2, NM_198283.2); short protein forms Y54H.
Identifiers: ClinVar variation 1018517 (VCV001018517.8), dbSNP rs1394979892, ClinGen allele CA364790519.